The following is an entry in ClinVar:

NM_006019.4(TCIRG1):c.979C>T (p.Arg327Ter)

Gene: TCIRG1 (T cell immune regulator 1, ATPase H+ transporting V0 subunit a3; plus strand). Cytogenetic location: 11q13.2.
Variant type: single nucleotide variant.
Coding change: c.979C>T on transcript NM_006019.4 (MANE Select); coding-DNA position 979, C replaced by T.
Protein change: p.Arg327Ter; replaces arginine 327 with a stop codon.
Molecular consequence: nonsense.
Genome position (GRCh38, 1-based): chr11:68,044,303, C>T. VCF-style: chr11-68044303-C-T. GRCh37 (hg19) VCF-style: chr11-67811770-C-T.
Other names: c.85C>T, p.Arg29Ter (NM_001351059.2); c.331C>T, p.Arg111Ter (NM_006053.4); short protein forms R327*, R29*, R111*.
Identifiers: ClinVar variation 550832 (VCV000550832.16), dbSNP rs749361897, ClinGen allele CA6146858.

ClinVar aggregate classification (germline): Pathogenic/Likely pathogenic. Review status: criteria provided, multiple submitters, no conflicts (2 of 4 stars). 7 submissions from 7 submitters: Pathogenic (4); Likely pathogenic (2). 1 of the submissions does not count toward it. Last evaluated 2026-01-26.

Conditions:
Autosomal recessive osteopetrosis 1. Also called: ALBERS-SCHONBERG DISEASE, AUTOSOMAL RECESSIVE; TCIRG1-Related Autosomal Recessive Osteopetrosis; TCIRG1-Related Osteopetrosis. Identifiers: Orphanet 667, MedGen C1850127, MONDO:0009815, OMIM 259700.
TCIRG1-related disorder. Also called: TCIRG1-related condition.

Allele frequency attached by ClinVar (database versions not stated): gnomAD 0.00001; TOPMed 0.00001; gnomAD exomes 0.00004; ExAC 0.00005.
gnomAD v4.1: 32 of 1,602,504 alleles (0.002%); highest among the groups gnomAD compares: East Asian, 0.0067%; no homozygotes.

Submissions (7):

Labcorp Genetics (formerly Invitae), Labcorp
Classification: Pathogenic. Last evaluated: 2026-01-26. Review status: criteria provided, single submitter. Criteria: Invitae Variant Classification Sherloc (09022015). Collection method: clinical testing. Allele origin: germline.
Comment: This sequence change creates a premature translational stop signal (p.Arg327*) in the TCIRG1 gene. It is expected to result in an absent or disrupted protein product. Loss-of-function variants in TCIRG1 are known to be pathogenic (PMID: 10888887, 10942435, 11532986, 19448635). The frequency data for this variant in the population databases is considered unreliable, as metrics indicate poor data quality at this position in the gnomAD database. This premature translational stop signal has been observed in individual(s) with osteopetrosis (PMID: 22231430). ClinVar contains an entry for this variant (Variation ID: 550832). For these reasons, this variant has been classified as Pathogenic.

Natera, Inc.
Classification: Likely pathogenic for Infantile malignant osteopetrosis. Last evaluated: 2025-07-03. Review status: criteria provided, single submitter. Criteria: Natera Variant Classification Schema (03/2026). Collection method: clinical testing. Allele origin: germline.
Comment: The c.979C>T variant in TCIRG1 is a nonsense variant predicted to introduce a stop codon at amino acid 327. This variant is expected to result in nonsense mediated decay, truncation, or a dysfunctional protein product. This variant is rare in the general population with a frequency below the threshold expected for the associated phenotype(s). Given the available evidence, this variant is classified as Likely Pathogenic.

Myriad Genetics, Inc.
Classification: Pathogenic for Autosomal recessive osteopetrosis 1. Last evaluated: 2025-04-02. Review status: criteria provided, single submitter. Criteria: Myriad Autosomal Dominant, Autosomal Recessive and X-Linked Classification Criteria (2023). Collection method: clinical testing. Allele origin: unknown.
Comment: NM_006019.3(TCIRG1):c.979C>T(R327*) is a nonsense variant classified as pathogenic in the context of autosomal recessive osteopetrosis type 1. R327* has been observed in cases with relevant disease (PMID: 14675409, 22231430). Relevant functional assessments of this variant are not available in the literature. R327* has been observed in referenced population frequency databases. In summary, NM_006019.3(TCIRG1):c.979C>T(R327*) is a nonsense variant in a gene where loss of function is a known mechanism of disease, is predicted to disrupt protein function, and has been observed more frequently in cases with the relevant disease than in healthy populations. Please note: this variant was assessed in the context of healthy population screening.

Genomic Medicine Center of Excellence, King Faisal Specialist Hospital and Research Centre
Classification: Pathogenic for Autosomal recessive osteopetrosis 1. Last evaluated: 2025-01-04. Review status: criteria provided, single submitter. Criteria: ACMG Guidelines, 2015. Collection method: clinical testing. Allele origin: germline.

Baylor Genetics
Classification: Pathogenic for Autosomal recessive osteopetrosis 1. Last evaluated: 2024-03-22. Review status: criteria provided, single submitter. Criteria: ACMG Guidelines, 2015. Collection method: clinical testing. Allele origin: unknown.

Blueprint Genetics
Classification: Likely pathogenic for TCIRG1-related disorders. Last evaluated: 2023-10-20. Review status: criteria provided, single submitter. Criteria: ACMG Guidelines, 2015. Collection method: clinical testing. Allele origin: germline. Affected: yes. Observed: 3 variant alleles.

Counsyl
Classification: Likely pathogenic for Autosomal recessive osteopetrosis 1. Last evaluated: 2017-02-24. Review status: no assertion criteria provided. Collection method: clinical testing. Allele origin: unknown. Not counted in ClinVar's aggregate classification.

Literature cited by the submitters: PubMed 10888887 (cited by Labcorp Genetics (formerly Invitae), Labcorp); PubMed 10942435 (cited by Labcorp Genetics (formerly Invitae), Labcorp); PubMed 11532986 (cited by Labcorp Genetics (formerly Invitae), Labcorp); PubMed 19448635 (cited by Labcorp Genetics (formerly Invitae), Labcorp); PubMed 22231430 (cited by 3 submitters); PubMed 14675409 (cited by Myriad Genetics, Inc.).